The following is an entry in ClinVar:

NM_020949.3(SLC7A14):c.2092G>A (p.Val698Met)

Gene: SLC7A14 (solute carrier family 7 member 14; minus strand). Cytogenetic location: 3q26.2.
Variant type: single nucleotide variant.
Coding change: c.2092G>A on transcript NM_020949.3 (MANE Select); coding-DNA position 2092, G replaced by A.
Protein change: p.Val698Met; replaces valine 698 with methionine.
Molecular consequence: missense variant.
Genome position (GRCh38, 1-based): chr3:170,467,279, C>T on the plus strand (G>A on the coding strand, the complement: SLC7A14 is on the minus strand). VCF-style: chr3-170467279-C-T. GRCh37 (hg19) VCF-style: chr3-170185067-C-T.
Other names: short protein forms V698M.
Identifiers: ClinVar variation 970006 (VCV000970006.11), dbSNP rs375670950, ClinGen allele CA2701507.
Genomic context (GRCh38, chr3:170,467,279, plus strand): 5'-CCTGGCTCTCGCCCTCTGTGGCGTAGGAGAAACCCTCCTCCACTGAGAAGGGGTCATCCA[C>T]GTCGTAGCGTTGGTACGTGCTTTGGTGCAGGGCCTCTTCTCGAGCGCTGATTTCCAGGGT-3'
Protein context (NP_066000.2, residues 688-708): LHQSTYQRYD[Val698Met]DDPFSVEEGF

ClinVar aggregate classification (germline): Uncertain significance. Review status: criteria provided, multiple submitters, no conflicts (2 of 4 stars). 4 submissions from 4 submitters: Uncertain significance (3). 1 of the submissions does not count toward it. Last evaluated 2025-08-02.

Conditions:
Retinal dystrophy. Also called: Inherited retinal dystrophy. Identifiers: Orphanet 71862, MedGen C0854723, MeSH D058499, MONDO:0019118, HP:0000556.

Allele frequency attached by ClinVar (database versions not stated): ExAC 0.00007; ESP Exome Variant Server 0.00008; gnomAD 0.00008 and 0.00009; gnomAD exomes 0.00008; TOPMed 0.00011.
gnomAD v4.1: 144 of 1,614,136 alleles (0.0089%); highest among the groups gnomAD compares: South Asian, 0.011%; no homozygotes.

Submissions (4):

Labcorp Genetics (formerly Invitae), Labcorp
Classification: Uncertain significance. Last evaluated: 2025-08-02. Review status: criteria provided, single submitter. Criteria: Invitae Variant Classification Sherloc (09022015). Collection method: clinical testing. Allele origin: germline.
Comment: This sequence change replaces valine, which is neutral and non-polar, with methionine, which is neutral and non-polar, at codon 698 of the SLC7A14 protein (p.Val698Met). This variant is present in population databases (rs375670950, gnomAD 0.05%). This variant has not been reported in the literature in individuals affected with SLC7A14-related conditions. ClinVar contains an entry for this variant (Variation ID: 970006). An algorithm developed to predict the effect of missense changes on protein structure and function outputs the following: PolyPhen-2: "Benign". The methionine amino acid residue is found in multiple mammalian species, which suggests that this missense change does not adversely affect protein function. In summary, the available evidence is currently insufficient to determine the role of this variant in disease. Therefore, it has been classified as a Variant of Uncertain Significance.

Ambry Genetics
Classification: Uncertain significance. Last evaluated: 2025-03-30. Review status: criteria provided, single submitter. Criteria: Ambry Variant Classification Scheme 2023. Collection method: clinical testing. Allele origin: germline.

Blueprint Genetics
Classification: Uncertain significance. Last evaluated: 2023-06-21. Review status: criteria provided, single submitter. Criteria: ACMG Guidelines, 2015. Collection method: clinical testing. Allele origin: germline.

Institute of Human Genetics, Univ. Regensburg, Univ. Regensburg
Classification: Uncertain significance for Retinal dystrophy. Last evaluated: 2023-01-01. Review status: no assertion criteria provided. Criteria: ACMG Guidelines, 2015. Collection method: clinical testing. Allele origin: germline. Affected: yes. Not counted in ClinVar's aggregate classification.